The following is an entry in ClinVar:

ClinVar aggregate classification (germline): Conflicting classifications of pathogenicity. Review status: criteria provided, conflicting classifications (1 of 4 stars). 5 submissions from 5 submitters: Uncertain significance (3); Likely benign (2). Last evaluated 2026-09-04.

Conditions:
SCN10A-related disorder. Also called: SCN10A-related condition.
Cardiovascular phenotype. Identifiers: MedGen CN230736.
Brugada syndrome. Also called: Sudden Unexplained Death Syndrome; Sudden Unexplained Nocturnal Death Syndrome (SUNDS); Sudden unexplained nocturnal death syndrome; Sudden unexpected nocturnal death syndrome. Identifiers: Orphanet 130, MedGen C1142166, MONDO:0015263.

Allele frequency attached by ClinVar (database versions not stated): ExAC 0.00004; gnomAD 0.00005; gnomAD exomes 0.00005; TOPMed 0.00008.
gnomAD v4.1: 187 of 1,608,912 alleles (0.012%); highest among the groups gnomAD compares: Non-Finnish European, 0.015%; no homozygotes.

Submissions (5):

PreventionGenetics, part of Exact Sciences
Classification: Uncertain significance for SCN10A-related condition. Last evaluated: 2026-09-04. Review status: criteria provided, single submitter. Criteria: ACMG Guidelines, 2015. Collection method: clinical testing. Allele origin: germline.
Comment: The SCN10A c.1668A>T variant is predicted to result in the amino acid substitution p.Gln556His. To our knowledge, this variant has not been reported in the literature. This variant is reported in 0.010% of alleles in individuals of European (Non-Finnish) descent in gnomAD. At this time, the clinical significance of this variant is uncertain due to the absence of conclusive functional and genetic evidence.

CeGaT Center for Human Genetics Tuebingen
Classification: Uncertain significance. Last evaluated: 2026-05-01. Review status: criteria provided, single submitter. Criteria: CeGaT Center For Human Genetics Tuebingen Variant Classification Criteria Version 2. Collection method: clinical testing. Allele origin: germline. Affected: yes. Observed: 2 variant alleles.

Labcorp Genetics (formerly Invitae), Labcorp
Classification: Uncertain significance for Brugada syndrome. Last evaluated: 2025-03-11. Review status: criteria provided, single submitter. Criteria: Invitae Variant Classification Sherloc (09022015). Collection method: clinical testing. Allele origin: germline.
Comment: This sequence change replaces glutamine, which is neutral and polar, with histidine, which is basic and polar, at codon 556 of the SCN10A protein (p.Gln556His). This variant is present in population databases (rs770276976, gnomAD 0.01%). This variant has not been reported in the literature in individuals affected with SCN10A-related conditions. ClinVar contains an entry for this variant (Variation ID: 572450). Invitae Evidence Modeling of protein sequence and biophysical properties (such as structural, functional, and spatial information, amino acid conservation, physicochemical variation, residue mobility, and thermodynamic stability) indicates that this missense variant is not expected to disrupt SCN10A protein function with a negative predictive value of 95%. In summary, the available evidence is currently insufficient to determine the role of this variant in disease. Therefore, it has been classified as a Variant of Uncertain Significance.

Blueprint Genetics
Classification: Likely benign. Last evaluated: 2024-10-16. Review status: criteria provided, single submitter. Criteria: ACMG Guidelines, 2015. Collection method: clinical testing. Allele origin: germline.

Ambry Genetics
Classification: Likely benign for Cardiovascular phenotype. Last evaluated: 2020-10-26. Review status: criteria provided, single submitter. Criteria: Ambry Variant Classification Scheme 2023. Collection method: clinical testing. Allele origin: germline.

NM_006514.4(SCN10A):c.1668A>T (p.Gln556His)

Gene: SCN10A (sodium voltage-gated channel alpha subunit 10; minus strand). Cytogenetic location: 3p22.2.
Variant type: single nucleotide variant.
Coding change: c.1668A>T on transcript NM_006514.4 (MANE Select); coding-DNA position 1668, A replaced by T.
Protein change: p.Gln556His; replaces glutamine 556 with histidine.
Molecular consequence: missense variant. On other transcripts: intron variant (1).
Genome position (GRCh38, 1-based): chr3:38,752,306, T>A on the plus strand (A>T on the coding strand, the complement: SCN10A is on the minus strand). VCF-style: chr3-38752306-T-A. GRCh37 (hg19) VCF-style: chr3-38793797-T-A.
Other names: c.1668A>T, p.Gln556His (NM_001293306.2); c.1462-2122A>T (NM_001293307.2); short protein forms Q556H.
Identifiers: ClinVar variation 572450 (VCV000572450.35), dbSNP rs770276976, ClinGen allele CA2320791.
Genomic context (GRCh38, chr3:38,752,306, plus strand): 5'-CTCACTAGTGGGCGGCGGTTGGTGTTCATCTTCTCCATGCCTGGAGTCAGGGTTGCTGGG[T>A]TGAGGAAGAGGGCTTCTAGGGAGGGGGCCTTGCTGGCCAGCACCCCCACCCAGCAGCAGA-3'
Protein context (NP_006505.4, residues 546-566): QGPLPRSPLP[Gln556His]PSNPDSRHGE